The following is an entry in ClinVar:

ClinVar aggregate classification (germline): Likely pathogenic (1 of 4 stars; one submission).

Conditions:
Dilated cardiomyopathy 1G (CMD1G). Identifiers: Orphanet 154, MedGen C1858763, MONDO:0011400, OMIM 604145.
Autosomal recessive limb-girdle muscular dystrophy type 2J (LGMDR10). Also called: Limb-girdle muscular dystrophy, type 2J; MUSCULAR DYSTROPHY, LIMB-GIRDLE, AUTOSOMAL RECESSIVE 10. Identifiers: Orphanet 140922, MedGen C1837342, MONDO:0012127, OMIM 608807.

Submission:

Labcorp Genetics (formerly Invitae), Labcorp
Classification: Likely pathogenic for Dilated cardiomyopathy 1G; Autosomal recessive limb-girdle muscular dystrophy type 2J. Last evaluated: 2022-04-20. Review status: criteria provided, single submitter. Criteria: Invitae Variant Classification Sherloc (09022015). Collection method: clinical testing. Allele origin: germline.
Comment: This variant has not been reported in the literature in individuals affected with TTN-related conditions. This variant is not present in population databases (gnomAD no frequency). This sequence change creates a premature translational stop signal (p.Pro17453Glnfs*36) in the TTN gene. While this is not anticipated to result in nonsense mediated decay, it is expected to create a truncated TTN protein. This variant is located in the A band of TTN (PMID: 25589632). Truncating variants in this region are significantly overrepresented in patients affected with dilated cardiomyopathy (PMID: 25589632). Truncating variants in this region have also been reported in individuals affected with autosomal recessive centronuclear myopathy (PMID: 23975875). In summary, the currently available evidence indicates that the variant is pathogenic, but additional data are needed to prove that conclusively. Therefore, this variant has been classified as Likely Pathogenic.

Literature cited by the submitters: PubMed 25589632; PubMed 23975875.

NM_001267550.2(TTN):c.52358del (p.Pro17453fs)

Genes: TTN-AS1 (TTN antisense RNA 1; plus strand), TTN (titin; minus strand). Cytogenetic location: 2q31.2.
Variant type: Deletion.
Coding change: c.52358del on transcript NM_001267550.2 (MANE Select); coding-DNA position 52358, one base deleted (C; older notation c.52358delC).
Protein change: p.Pro17453fs; shifts the reading frame from proline 17453.
Molecular consequence: frameshift variant.
Genome position (GRCh38, 1-based): chr2:178,608,653, G deleted on the plus strand (C on the coding strand, the reverse complement: TTN is on the minus strand); the first of 2 consecutive G bases (chr2:178,608,653-178,608,654); deleting either gives the same sequence. VCF-style (leftmost placement, unchanged base first): chr2-178608652-TG-T. GRCh37 (hg19) VCF-style: chr2-179473379-TG-T.
Other names: c.47435del, p.Pro15812fs (NM_001256850.1); c.25163del, p.Pro8388fs (NM_003319.4); c.44654del, p.Pro14885fs (NM_133378.4); c.25538del, p.Pro8513fs (NM_133432.3); c.25739del, p.Pro8580fs (NM_133437.4); short protein forms P15812fs, P8388fs, P8513fs, P8580fs, P17453fs, P14885fs.
Identifiers: ClinVar variation 1466805 (VCV001466805.6), dbSNP rs2154197774, ClinGen allele CA2573133926.